The following is an entry in ClinVar:

ClinVar aggregate classification (germline): Uncertain significance (1 of 4 stars; one submission).

Conditions:
RAP1B-related disorder. Also called: RAP1B-related condition.

gnomAD v4.1: 2 of 1,603,752 alleles (0.00012%); highest among the groups gnomAD compares: Non-Finnish European, 0.00017%; no homozygotes.

Submission:

PreventionGenetics, part of Exact Sciences
Classification: Uncertain significance for RAP1B-related condition. Last evaluated: 2023-09-28. Review status: criteria provided, single submitter. Criteria: ACMG Guidelines, 2015. Collection method: clinical testing. Allele origin: germline.
Comment: The RAP1B c.468+5G>A variant is predicted to interfere with splicing. To our knowledge, this variant has not been reported in the literature or in a large population database, indicating this variant is rare. At this time, the clinical significance of this variant is uncertain due to the absence of conclusive functional and genetic evidence.

NM_001010942.3(RAP1B):c.468+5G>A

Gene: RAP1B (RAP1B, member of RAS oncogene family; plus strand). Cytogenetic location: 12q15.
Variant type: single nucleotide variant.
Coding change: c.468+5G>A on transcript NM_001010942.3 (MANE Select); 5 bases into the intron after coding-DNA position 468, G replaced by A.
Molecular consequence: intron variant.
Genome position (GRCh38, 1-based): chr12:68,656,454, G>A. VCF-style: chr12-68656454-G-A. GRCh37 (hg19) VCF-style: chr12-69050234-G-A.
Other names: c.468+5G>A (NM_015646.6); c.342+5G>A (NM_001251917.2, NM_001251918.2); c.327+5G>A (NM_001251922.2); c.411+5G>A (NM_001251921.2).
Identifiers: ClinVar variation 2635924 (VCV002635924.1), dbSNP rs2499157183, ClinGen allele CA385691118.